The following is an entry in ClinVar:

ClinVar aggregate classification (germline): Uncertain significance. Review status: criteria provided, multiple submitters, no conflicts (2 of 4 stars). 2 submissions from 2 submitters: Uncertain significance (2). Last evaluated 2025-12-28.

Conditions:
Hereditary cancer-predisposing syndrome. Also called: Tumor predisposition; Neoplastic Syndromes, Hereditary; Hereditary Cancer Syndrome; Hereditary neoplastic syndrome. Identifiers: Orphanet 140162, MedGen C0027672, MeSH D009386, MONDO:0015356.
DICER1-related tumor predisposition. Also called: DICER1-related pleuropulmonary blastoma cancer predisposition syndrome; DICER1 syndrome. Identifiers: Orphanet 284343, MedGen C3839822, MONDO:0100216.

Submissions (2):

Labcorp Genetics (formerly Invitae), Labcorp
Classification: Uncertain significance for DICER1-related tumor predisposition. Last evaluated: 2025-12-28. Review status: criteria provided, single submitter. Criteria: Invitae Variant Classification Sherloc (09022015). Collection method: clinical testing. Allele origin: germline.
Comment: This sequence change replaces aspartic acid, which is acidic and polar, with histidine, which is basic and polar, at codon 620 of the DICER1 protein (p.Asp620His). This variant is not present in population databases (gnomAD no frequency). This variant has not been reported in the literature in individuals affected with DICER1-related conditions. ClinVar contains an entry for this variant (Variation ID: 1781450). Invitae Evidence Modeling of protein sequence and biophysical properties (such as structural, functional, and spatial information, amino acid conservation, physicochemical variation, residue mobility, and thermodynamic stability) indicates that this missense variant is not expected to disrupt DICER1 protein function with a negative predictive value of 95%. In summary, the available evidence is currently insufficient to determine the role of this variant in disease. Therefore, it has been classified as a Variant of Uncertain Significance.

Ambry Genetics
Classification: Uncertain significance for Hereditary cancer-predisposing syndrome. Last evaluated: 2022-08-24. Review status: criteria provided, single submitter. Criteria: Ambry Variant Classification Scheme 2023. Collection method: clinical testing. Allele origin: germline.
Comment: The p.D620H variant (also known as c.1858G>C), located in coding exon 10 of the DICER1 gene, results from a G to C substitution at nucleotide position 1858. The aspartic acid at codon 620 is replaced by histidine, an amino acid with similar properties. This amino acid position is conserved. In addition, this alteration is predicted to be tolerated by in silico analysis. Since supporting evidence is limited at this time, the clinical significance of this alteration remains unclear.

NM_177438.3(DICER1):c.1858G>C (p.Asp620His)

Gene: DICER1 (dicer 1, ribonuclease III; minus strand). Cytogenetic location: 14q32.13.
Variant type: single nucleotide variant.
Coding change: c.1858G>C on transcript NM_177438.3 (MANE Select); coding-DNA position 1858, G replaced by C.
Protein change: p.Asp620His; replaces aspartic acid 620 with histidine.
Molecular consequence: missense variant. On other transcripts: non-coding transcript variant (6).
Genome position (GRCh38, 1-based): chr14:95,115,716, C>G on the plus strand (G>C on the coding strand, the complement: DICER1 is on the minus strand). VCF-style: chr14-95115716-C-G. GRCh37 (hg19) VCF-style: chr14-95582053-C-G.
Other names: c.1858G>C, p.Asp620His (NM_030621.4, NM_001195573.1, NM_001271282.3 and 13 more transcripts); c.1576G>C, p.Asp526His (NM_001395686.1); c.1453G>C, p.Asp485His (NM_001395687.1, NM_001395688.1, NM_001395689.1 and 3 more transcripts); c.1291G>C, p.Asp431His (NM_001395691.1); c.175G>C, p.Asp59His (NM_001395697.1); short protein forms D620H, D485H, D526H, D431H, D59H.
Identifiers: ClinVar variation 1781450 (VCV001781450.3), dbSNP rs1892381031, ClinGen allele CA390883976.
Genomic context (GRCh38, chr14:95,115,716, plus strand): 5'-TGATGCCATACCTATTGATGTGTCCAATGGCCGTGTTGATTGTGACTCGTGGACCACCAT[C>G]GTCAGGCCTCAACACATATGGTGGGAAAACGTCATCATCATCCATGACAGGATCAATGTC-3'
Protein context (NP_803187.1, residues 610-630): VFPPYVLRPD[Asp620His]GGPRVTINTA